The following is an entry in ClinVar:

NM_000048.4(ASL):c.1250+2T>A

Gene: ASL (argininosuccinate lyase; plus strand). Cytogenetic location: 7q11.21.
Variant type: single nucleotide variant.
Coding change: c.1250+2T>A on transcript NM_000048.4 (MANE Select); the canonical splice donor site of the intron after coding-DNA position 1250, T replaced by A.
Molecular consequence: splice donor variant.
Genome position (GRCh38, 1-based): chr7:66,092,665, T>A. VCF-style: chr7-66092665-T-A. GRCh37 (hg19) VCF-style: chr7-65557652-T-A.
Other names: c.1172+2T>A (NM_001024946.2); c.1250+2T>A (NM_001024943.2); c.1190+2T>A (NM_001024944.2).
Identifiers: ClinVar variation 4818266 (VCV004818266.1).
Genomic context (GRCh38, chr7:66,092,665, plus strand): 5'-GCCGAGACCAAGGGGGTCGCCCTCAACCAGCTGTCACTGCAGGAGCTGCAGACCATCAGG[T>A]ACGGCCCATCCCCTTCCCCATGCTGCCTCCTAGGAAGTGAGCCTGGGTGCCTGGAGCCCA-3'

ClinVar aggregate classification (germline): Likely pathogenic (1 of 4 stars; one submission).

Conditions:
Argininosuccinate lyase deficiency. Also called: ARGININOSUCCINIC ACID LYASE DEFICIENCY; ASL DEFICIENCY; Argininosuccinic aciduria. Identifiers: Orphanet 23, MedGen C0268547, MONDO:0008815, OMIM 207900, HP:0025630.

Submission:

Natera, Inc.
Classification: Likely pathogenic for Argininosuccinate lyase deficiency. Last evaluated: 2024-11-17. Review status: criteria provided, single submitter. Criteria: Natera Variant Classification Schema (03/2026). Collection method: clinical testing. Allele origin: germline.
Comment: The c.1250+2T>A variant in ASL is a canonical splice donor site variant predicted to affect pre-mRNA splicing, which may result in an abnormal transcript and altered protein product. This variant is expected to result in nonsense mediated decay, truncation, or a dysfunctional protein product. This variant is rare in the general population with a frequency below the threshold expected for the associated phenotype(s). Given the available evidence, this variant is classified as Likely Pathogenic.